The following is an entry in ClinVar:

ClinVar aggregate classification (germline): Pathogenic (1 of 4 stars; one submission).

gnomAD v4.1: 5 of 1,614,038 alleles (0.00031%); highest among the groups gnomAD compares: Admixed American, 0.0083%; no homozygotes.

Submission:

Labcorp Genetics (formerly Invitae), Labcorp
Classification: Pathogenic. Last evaluated: 2024-06-20. Review status: criteria provided, single submitter. Criteria: Invitae Variant Classification Sherloc (09022015). Collection method: clinical testing. Allele origin: germline.
Comment: This sequence change creates a premature translational stop signal (p.Tyr180*) in the C10orf11 gene. While this is not anticipated to result in nonsense mediated decay, it is expected to disrupt the last 19 amino acid(s) of the C10orf11 protein. This variant is present in population databases (rs779169360, gnomAD 0.01%). This variant has not been reported in the literature in individuals affected with C10orf11-related conditions. ClinVar contains an entry for this variant (Variation ID: 1994322). This variant disrupts a region of the C10orf11 protein in which other variant(s) (p.Arg194*) have been determined to be pathogenic (PMID: 23395477). This suggests that this is a clinically significant region of the protein, and that variants that disrupt it are likely to be disease-causing. For these reasons, this variant has been classified as Pathogenic.

Literature cited by the submitters: PubMed 23395477.

NM_001305581.2(LRMDA):c.624C>A (p.Tyr208Ter)

Gene: LRMDA (leucine rich melanocyte differentiation associated; plus strand). Cytogenetic location: 10q22.3.
Variant type: single nucleotide variant.
Coding change: c.624C>A on transcript NM_001305581.2 (MANE Select); coding-DNA position 624, C replaced by A.
Protein change: p.Tyr208Ter; replaces tyrosine 208 with a stop codon.
Molecular consequence: nonsense. On other transcripts: non-coding transcript variant (1).
Genome position (GRCh38, 1-based): chr10:76,557,231, C>A. VCF-style: chr10-76557231-C-A. GRCh37 (hg19) VCF-style: chr10-78316989-C-A.
Other names: c.540C>A, p.Tyr180Ter (NM_032024.5); short protein forms Y180*, Y208*.
Identifiers: ClinVar variation 1994322 (VCV001994322.4), dbSNP rs779169360, ClinGen allele CA5567701.